The following is an entry in ClinVar:

ClinVar aggregate classification (germline): Likely benign (1 of 4 stars; one submission).

Conditions:
Porphobilinogen synthase deficiency. Also called: ALAD DEFICIENCY; DELTA-AMINOLEVULINATE DEHYDRATASE DEFICIENCY; DOSS PORPHYRIA; PORPHYRIA, ALAD; Porphyria due to ALA dehydratase deficiency. Identifiers: Orphanet 100924, MedGen C0268328, MONDO:0013000, OMIM 612740.

Allele frequency attached by ClinVar (database versions not stated): 1000 Genomes Project 0.00060; 1000 Genomes Project 30x 0.00047; TOPMed 0.00047; gnomAD 0.00058.

Submission:

Illumina Laboratory Services, Illumina
Classification: Likely benign for Porphobilinogen synthase deficiency. Last evaluated: 2018-01-13. Review status: criteria provided, single submitter. Criteria: ICSL Variant Classification Criteria 13 December 2019. Collection method: clinical testing. Allele origin: germline.
Comment: This variant was observed in the ICSL laboratory as part of a predisposition screen in an ostensibly healthy population. It had not been previously curated by ICSL or reported in the Human Gene Mutation Database (HGMD: prior to June 1st, 2018), and was therefore a candidate for classification through an automated scoring system. Utilizing variant allele frequency, disease prevalence and penetrance estimates, and inheritance mode, an automated score was calculated to assess if this variant is too frequent to cause the disease. Based on the score and internal cut-off values, a variant classified as likely benign is not then subjected to further curation. The score for this variant resulted in a classification of likely benign for this disease.

NM_000031.6(ALAD):c.-131C>T

Genes: ALAD (aminolevulinate dehydratase; minus strand), LOC130002419 (ATAC-STARR-seq lymphoblastoid silent region 20204; plus strand). Cytogenetic location: 9q32.
Variant type: single nucleotide variant.
Coding change: c.-131C>T on transcript NM_000031.6 (MANE Select); 131 bases upstream of the start codon, C replaced by T.
Molecular consequence: 5 prime UTR variant.
Genome position (GRCh38, 1-based): chr9:113,401,267, G>A on the plus strand (C>T on the coding strand, the complement: ALAD is on the minus strand). VCF-style: chr9-113401267-G-A. GRCh37 (hg19) VCF-style: chr9-116163547-G-A.
Other names: c.-210C>T (NM_001003945.3).
Identifiers: ClinVar variation 364660 (VCV000364660.5), dbSNP rs531786276, ClinGen allele CA10632077.